The following is an entry in ClinVar:

ClinVar aggregate classification (germline): Uncertain significance (1 of 4 stars; one submission).

Conditions:
Isolated microphthalmia 5. Also called: Posterior Microphthalmia with Retinitis Pigmentosa, Foveoschisis, and Optic Disc Drusen. Identifiers: Orphanet 251279, MedGen C1970236, MONDO:0012605, OMIM 611040.

Allele frequency attached by ClinVar (database versions not stated): TOPMed 0.00002; gnomAD exomes 0.00002 and 0.00003; gnomAD 0.00003 and 0.00002; ExAC 0.00002.
gnomAD v4.1: 34 of 1,613,924 alleles (0.0021%); highest among the groups gnomAD compares: Non-Finnish European, 0.0028%; no homozygotes.

Submission:

Labcorp Genetics (formerly Invitae), Labcorp
Classification: Uncertain significance for Isolated microphthalmia 5. Last evaluated: 2025-03-17. Review status: criteria provided, single submitter. Criteria: Invitae Variant Classification Sherloc (09022015). Collection method: clinical testing. Allele origin: germline.
Comment: This sequence change replaces glutamic acid, which is acidic and polar, with lysine, which is basic and polar, at codon 29 of the MFRP protein (p.Glu29Lys). This variant is present in population databases (rs771256990, gnomAD 0.006%). This variant has not been reported in the literature in individuals affected with MFRP-related conditions. ClinVar contains an entry for this variant (Variation ID: 1000025). Invitae Evidence Modeling of protein sequence and biophysical properties (such as structural, functional, and spatial information, amino acid conservation, physicochemical variation, residue mobility, and thermodynamic stability) indicates that this missense variant is expected to disrupt MFRP protein function with a positive predictive value of 80%. In summary, the available evidence is currently insufficient to determine the role of this variant in disease. Therefore, it has been classified as a Variant of Uncertain Significance.

NM_031433.4(MFRP):c.85G>A (p.Glu29Lys)

Genes: C1QTNF5 (C1q and TNF related 5; minus strand), MFRP (membrane frizzled-related protein; minus strand). Cytogenetic location: 11q23.3.
Variant type: single nucleotide variant.
Coding change: c.85G>A on transcript NM_031433.4 (MANE Select); coding-DNA position 85, G replaced by A.
Protein change: p.Glu29Lys; replaces glutamic acid 29 with lysine.
Molecular consequence: missense variant. On other transcripts: 5 prime UTR variant (1).
Genome position (GRCh38, 1-based): chr11:119,346,344, C>T on the plus strand (G>A on the coding strand, the complement: MFRP is on the minus strand). VCF-style: chr11-119346344-C-T. GRCh37 (hg19) VCF-style: chr11-119217054-C-T.
Other names: c.-2552G>A (NM_015645.5); short protein forms E29K.
Identifiers: ClinVar variation 1000025 (VCV001000025.8), dbSNP rs771256990, ClinGen allele CA6320710.